The following is an entry in ClinVar:

NM_005432.4(XRCC3):c.74AGG[1] (p.Glu26del)

Gene: XRCC3 (X-ray repair cross complementing 3; minus strand). Cytogenetic location: 14q32.33.
Variant type: Microsatellite.
Coding change: c.74AGG[1] on transcript NM_005432.4 (MANE Select); one copy of the 3-base unit AGG starting at c.74; the reference has two copies in a row; one copy, 3 bases deleted.
Protein change: p.Glu26del; deletes glutamic acid 26.
Molecular consequence: inframe deletion.
Genome position (GRCh38, 1-based): chr14:103,708,636-103,708,638, CCT deleted on the plus strand (AGG on the coding strand, the reverse complement: XRCC3 is on the minus strand); deleting any 3 consecutive bases within chr14:103,708,636-103,708,641 gives the same sequence; the position shown is the placement nearest the transcript's 3' end. VCF-style (leftmost placement, unchanged base first): chr14-103708635-ACCT-A. GRCh37 (hg19) VCF-style: chr14-104174972-ACCT-A.
Other names: c.74AGG[1], p.Glu26del (NM_001100118.2, NM_001100119.2, NM_001371229.1 and 2 more transcripts); short protein forms E26del.
Identifiers: ClinVar variation 1048839 (VCV001048839.1), dbSNP rs780945006, ClinGen allele CA267248288.
Genomic context (GRCh38, chr14:103,708,635, plus strand): 5'-CAGACCTCGGGGCTGGAGAGGTTGGTCAGTCTCTTCAAGTCTGGTCCAGAAAAGTGTAAA[ACCT>A]CCTTTACCGATTTCAGTTTGGCTGAAATAACACAGATAAATTACAGGAAAATGTCAGACT-3'

ClinVar aggregate classification (germline): Uncertain significance (0 of 4 stars; one submission).

Submission:

Department of Pathology and Laboratory Medicine, Sinai Health System
Classification: Uncertain significance. Review status: no assertion criteria provided. Collection method: clinical testing. Allele origin: unknown. Affected: yes. Study: The Canadian Open Genetics Repository (COGR).
Comment: The XRCC3 p.Glu26del variant was not identified in the literature nor was it identified in ClinVar, Cosmic or LOVD 3.0. The variant was identified in dbSNP (ID: rs780945006) and in control databases in 1 of 251324 chromosomes at a frequency of 0.000004 (Genome Aggregation Database Feb 27, 2017). The variant was observed in the European (non-Finnish) population in 1 of 113650 chromosomes (freq: 0.000009), while the variant was not observed in the African, Latino, Ashkenazi Jewish, East Asian, European (Finnish), Other or South Asian populations. The variant occurs outside of the splicing consensus sequence and in silico or computational prediction software programs (SpliceSiteFinder, MaxEntScan, NNSPLICE, GeneSplicer) do not predict a difference in splicing. This variant is an in-frame deletion resulting in the removal of a glutamic acid (glu) residue at codon 26; the impact of this alteration on XRCC3 protein function is not known. In summary, based on the above information the clinical significance of this variant cannot be determined with certainty at this time. This variant is classified as a variant of uncertain significance.